The following is an entry in ClinVar:

NM_022095.4(ZNF335):c.1447C>T (p.His483Tyr)

Gene: ZNF335 (zinc finger protein 335; minus strand). Cytogenetic location: 20q13.12.
Variant type: single nucleotide variant.
Coding change: c.1447C>T on transcript NM_022095.4 (MANE Select); coding-DNA position 1447, C replaced by T.
Protein change: p.His483Tyr; replaces histidine 483 with tyrosine.
Molecular consequence: missense variant.
Genome position (GRCh38, 1-based): chr20:45,963,559, G>A on the plus strand (C>T on the coding strand, the complement: ZNF335 is on the minus strand). VCF-style: chr20-45963559-G-A. GRCh37 (hg19) VCF-style: chr20-44592198-G-A.
Other names: short protein forms H483Y.
Identifiers: ClinVar variation 1327401 (VCV001327401.3), dbSNP rs1204162196, ClinGen allele CA409249743.

ClinVar aggregate classification (germline): Uncertain significance. Review status: criteria provided, multiple submitters, no conflicts (2 of 4 stars). 2 submissions from 2 submitters: Uncertain significance (2). Last evaluated 2024-07-02.

Conditions:
Inborn genetic diseases. Identifiers: MedGen C0950123, MeSH D030342.

Allele frequency attached by ClinVar (database versions not stated): gnomAD 0.00001; gnomAD exomes 0.00001; TOPMed 0.00001.
gnomAD v4.1: 7 of 1,614,098 alleles (0.00043%); highest among the groups gnomAD compares: Non-Finnish European, 0.00059%; no homozygotes.

Submissions (2):

Ambry Genetics
Classification: Uncertain significance for Inborn genetic diseases. Last evaluated: 2024-07-02. Review status: criteria provided, single submitter. Criteria: Ambry Variant Classification Scheme 2023. Collection method: clinical testing. Allele origin: germline.

GeneDx
Classification: Uncertain significance. Last evaluated: 2021-06-04. Review status: criteria provided, single submitter. Criteria: GeneDx Variant Classification Process June 2021. Collection method: clinical testing. Allele origin: germline. Affected: yes.
Comment: Has not been previously published as pathogenic or benign to our knowledge; Not observed at significant frequency in large population cohorts (Lek et al., 2016); In silico analysis supports that this missense variant has a deleterious effect on protein structure/function; This variant is associated with the following publications: (PMID: 27535533)